The following is an entry in ClinVar:

NM_004656.4(BAP1):c.2110G>A (p.Val704Ile)

Gene: BAP1 (BRCA1 associated deubiquitinase 1; minus strand). Cytogenetic location: 3p21.1.
Variant type: single nucleotide variant.
Coding change: c.2110G>A on transcript NM_004656.4 (MANE Select); coding-DNA position 2110, G replaced by A.
Protein change: p.Val704Ile; replaces valine 704 with isoleucine.
Molecular consequence: missense variant.
Genome position (GRCh38, 1-based): chr3:52,402,368, C>T on the plus strand (G>A on the coding strand, the complement: BAP1 is on the minus strand). VCF-style: chr3-52402368-C-T. GRCh37 (hg19) VCF-style: chr3-52436384-C-T.
Other names: c.2056G>A, p.Val686Ile (NM_001410772.1); short protein forms V686I, V704I.
Identifiers: ClinVar variation 1786108 (VCV001786108.5), dbSNP rs1704985255, ClinGen allele CA353094311.

ClinVar aggregate classification (germline): Uncertain significance. Review status: criteria provided, multiple submitters, no conflicts (2 of 4 stars). 2 submissions from 2 submitters: Uncertain significance (2). Last evaluated 2024-08-27.

Conditions:
Hereditary cancer-predisposing syndrome. Also called: Neoplastic Syndromes, Hereditary; Tumor predisposition; Hereditary Cancer Syndrome; Hereditary neoplastic syndrome. Identifiers: Orphanet 140162, MedGen C0027672, MeSH D009386, MONDO:0015356.
BAP1-related tumor predisposition syndrome (TPDS1). Also called: COMMON Syndrome; TUMOR PREDISPOSITION SYNDROME 1; BAP1 tumor predisposition syndrome; Tumor susceptibility linked to germline BAP1 mutations. Identifiers: Orphanet 289539, MedGen C3280492, MONDO:0013692, OMIM 614327.

Submissions (2):

Labcorp Genetics (formerly Invitae), Labcorp
Classification: Uncertain significance for BAP1-related tumor predisposition syndrome. Last evaluated: 2024-08-27. Review status: criteria provided, single submitter. Criteria: Invitae Variant Classification Sherloc (09022015). Collection method: clinical testing. Allele origin: germline.
Comment: This sequence change replaces valine, which is neutral and non-polar, with isoleucine, which is neutral and non-polar, at codon 704 of the BAP1 protein (p.Val704Ile). This variant is not present in population databases (gnomAD no frequency). This variant has not been reported in the literature in individuals affected with BAP1-related conditions. ClinVar contains an entry for this variant (Variation ID: 1786108). Invitae Evidence Modeling of protein sequence and biophysical properties (such as structural, functional, and spatial information, amino acid conservation, physicochemical variation, residue mobility, and thermodynamic stability) indicates that this missense variant is not expected to disrupt BAP1 protein function with a negative predictive value of 80%. In summary, the available evidence is currently insufficient to determine the role of this variant in disease. Therefore, it has been classified as a Variant of Uncertain Significance.

Ambry Genetics
Classification: Uncertain significance for Hereditary cancer-predisposing syndrome. Last evaluated: 2022-10-04. Review status: criteria provided, single submitter. Criteria: Ambry Variant Classification Scheme 2023. Collection method: clinical testing. Allele origin: germline.
Comment: The p.V704I variant (also known as c.2110G>A), located in coding exon 17 of the BAP1 gene, results from a G to A substitution at nucleotide position 2110. The valine at codon 704 is replaced by isoleucine, an amino acid with highly similar properties. This amino acid position is conserved. In addition, this alteration is predicted to be tolerated by in silico analysis. Since supporting evidence is limited at this time, the clinical significance of this alteration remains unclear.